The following is an entry in ClinVar:

ClinVar aggregate classification (germline): Pathogenic. Review status: criteria provided, multiple submitters, no conflicts (2 of 4 stars). 4 submissions from 4 submitters: Pathogenic (4). Last evaluated 2025-08-01.

Conditions:
Hereditary breast ovarian cancer syndrome. Also called: Hereditary breast and ovarian cancer; Hereditary breast and/or ovarian cancer syndrome; Hereditary breast and ovarian cancer syndrome; Hereditary breast and ovarian cancer syndrome (HBOC); Breast and ovarian cancer; BRCA1- and BRCA2-Associated Hereditary Breast and Ovarian Cancer. Identifiers: Orphanet 145, MedGen C0677776, MeSH D061325, MONDO:0003582. Disease mechanism: loss of function.
Hereditary cancer-predisposing syndrome. Also called: Neoplastic Syndromes, Hereditary; Hereditary Cancer Syndrome; Tumor predisposition; Hereditary neoplastic syndrome. Identifiers: Orphanet 140162, MedGen C0027672, MeSH D009386, MONDO:0015356.

Submissions (4):

GeneDx
Classification: Pathogenic. Last evaluated: 2025-08-01. Review status: criteria provided, single submitter. Criteria: GeneDx Variant Classification Process June 2021. Collection method: clinical testing. Allele origin: germline. Affected: yes.
Comment: Nonsense variant predicted to result in protein truncation or nonsense mediated decay in a gene for which loss of function is a known mechanism of disease; Truncating variants in this gene are considered pathogenic by a well-established clinical consortium and/or database; Not observed at significant frequency in large population cohorts (gnomAD); Also known as 3856_3857delGA; This variant is associated with the following publications: (PMID: 36367610, 32318955, 30078507, 30972954)

Labcorp Genetics (formerly Invitae), Labcorp
Classification: Pathogenic for Hereditary breast ovarian cancer syndrome. Last evaluated: 2025-04-27. Review status: criteria provided, single submitter. Criteria: Invitae Variant Classification Sherloc (09022015). Collection method: clinical testing. Allele origin: germline.
Comment: This sequence change creates a premature translational stop signal (p.Asp1210*) in the BRCA2 gene. It is expected to result in an absent or disrupted protein product. Loss-of-function variants in BRCA2 are known to be pathogenic (PMID: 20104584). This variant is not present in population databases (gnomAD no frequency). This premature translational stop signal has been observed in individual(s) with ovarian cancer (PMID: 30078507, 30972954). ClinVar contains an entry for this variant (Variation ID: 546056). For these reasons, this variant has been classified as Pathogenic.

Ambry Genetics
Classification: Pathogenic for Hereditary cancer-predisposing syndrome. Last evaluated: 2024-01-25. Review status: criteria provided, single submitter. Criteria: Ambry Variant Classification Scheme 2023. Collection method: clinical testing. Allele origin: germline.
Comment: The c.3628_3629delGA pathogenic mutation, located in coding exon 10 of the BRCA2 gene, results from a deletion of two nucleotides at nucleotide positions 3628 to 3629, causing a translational frameshift with a predicted alternate stop codon (p.D1210*). This mutation has been identified in patients with a history of breast or ovarian cancer (Li A et al. Gynecol Oncol, 2018 Oct;151:145-152; Deng H et al. Mol Genet Genomic Med, 2019 Jun;7:e672; Zeng C et al. Breast Cancer Res Treat, 2020 Jun;181:465-473). This variant is considered to be rare based on population cohorts in the Genome Aggregation Database (gnomAD). In addition to the clinical data presented in the literature, this alteration is expected to result in loss of function by premature protein truncation or nonsense-mediated mRNA decay. As such, this alteration is interpreted as a disease-causing mutation.

Color Diagnostics, LLC DBA Color Health
Classification: Pathogenic for Hereditary cancer-predisposing syndrome. Last evaluated: 2020-01-15. Review status: criteria provided, single submitter. Criteria: ACMG Guidelines, 2015. Collection method: clinical testing. Allele origin: germline.
Comment: This variant deletes 2 nucleotides in exon 11 of the BRCA2 gene, creating a frameshift and premature translation stop signal. This variant is expected to result in an absent or non-functional protein product. This variant has not been identified in the general population by the Genome Aggregation Database (gnomAD). Loss of BRCA2 function is a known mechanism of disease. Based on the available evidence, this variant is classified as Pathogenic.

Literature cited by the submitters: PubMed 20104584 (cited by Labcorp Genetics (formerly Invitae), Labcorp); PubMed 30078507 (cited by Labcorp Genetics (formerly Invitae), Labcorp and Ambry Genetics); PubMed 30972954 (cited by Labcorp Genetics (formerly Invitae), Labcorp and Ambry Genetics); PubMed 32318955 (cited by Ambry Genetics).

NM_000059.4(BRCA2):c.3628_3629del (p.Thr1209_Asp1210insTer)

Gene: BRCA2 (BRCA2 DNA repair associated; plus strand). Cytogenetic location: 13q13.1.
Variant type: Deletion.
Coding change: c.3628_3629del on transcript NM_000059.4 (MANE Select); coding-DNA positions 3628 to 3629, 2 bases deleted (GA; older notation c.3628_3629delGA).
Protein change: p.Thr1209_Asp1210insTer.
Molecular consequence: nonsense.
Genome position (GRCh38, 1-based): chr13:32,337,983-32,337,984, GA deleted; deleting any 2 consecutive bases within chr13:32,337,982-32,337,984 gives the same sequence; the c. name uses the placement nearest the transcript's 3' end. VCF-style (leftmost placement, unchanged base first): chr13-32337981-CAG-C. GRCh37 (hg19) VCF-style: chr13-32912118-CAG-C.
Other names: c.3628_3629delGA (NM_000059.3).
Identifiers: ClinVar variation 546056 (VCV000546056.15), dbSNP rs1555283318, ClinGen allele CA658823676.